The following is an entry in ClinVar:

ClinVar aggregate classification (germline): Uncertain significance (1 of 4 stars; one submission).

Conditions:
GNE myopathy (NM). Also called: NONAKA DISTAL MYOPATHY; INCLUSION BODY MYOPATHY, HEREDITARY, AUTOSOMAL RECESSIVE; INCLUSION BODY MYOPATHY 2, AUTOSOMAL RECESSIVE; MYOPATHY, DISTAL, WITH OR WITHOUT RIMMED VACUOLES; IBM 2; Inclusion body myopathy autosomal recessive. Identifiers: Orphanet 602, MedGen C1853926, MONDO:0011603, OMIM 605820.
Sialuria. Also called: SIALURIA, FRENCH TYPE; Sialic Acid Storage Disease. Identifiers: Orphanet 3166, MedGen C0342853, MONDO:0010028, OMIM 269921.

Submission:

Labcorp Genetics (formerly Invitae), Labcorp
Classification: Uncertain significance for Sialuria; GNE myopathy. Last evaluated: 2022-09-26. Review status: criteria provided, single submitter. Criteria: Invitae Variant Classification Sherloc (09022015). Collection method: clinical testing. Allele origin: germline.
Comment: Algorithms developed to predict the effect of missense changes on protein structure and function (SIFT, PolyPhen-2, Align-GVGD) all suggest that this variant is likely to be disruptive. This sequence change replaces arginine, which is basic and polar, with glycine, which is neutral and non-polar, at codon 160 of the GNE protein (p.Arg160Gly). This variant is not present in population databases (gnomAD no frequency). This variant has not been reported in the literature in individuals affected with GNE-related conditions. This variant disrupts the p.Arg160 amino acid residue in GNE. Other variant(s) that disrupt this residue have been determined to be pathogenic (PMID: 15136692, 16372135, 22507750, 23127962, 24695763; Invitae). This suggests that this residue is clinically significant, and that variants that disrupt this residue are likely to be disease-causing. In summary, the available evidence is currently insufficient to determine the role of this variant in disease. Therefore, it has been classified as a Variant of Uncertain Significance.

Literature cited by the submitters: PubMed 15136692; PubMed 16372135; PubMed 22507750; PubMed 23127962; PubMed 24695763.

NM_005476.7(GNE):c.385C>G (p.Arg129Gly)

Gene: GNE (glucosamine (UDP-N-acetyl)-2-epimerase/N-acetylmannosamine kinase; minus strand). Cytogenetic location: 9p13.3.
Variant type: single nucleotide variant.
Coding change: c.385C>G on transcript NM_005476.7 (MANE Select); coding-DNA position 385, C replaced by G.
Protein change: p.Arg129Gly; replaces arginine 129 with glycine.
Molecular consequence: missense variant.
Genome position (GRCh38, 1-based): chr9:36,246,262, G>C on the plus strand (C>G on the coding strand, the complement: GNE is on the minus strand). VCF-style: chr9-36246262-G-C. GRCh37 (hg19) VCF-style: chr9-36246259-G-C.
Other names: c.478C>G, p.Arg160Gly (NM_001128227.3); c.385C>G, p.Arg129Gly (NM_001190383.3, NM_001374797.1); c.208C>G, p.Arg70Gly (NM_001190384.3, NM_001190388.2, NM_001374798.1); short protein forms R129G, R160G, R70G.
Identifiers: ClinVar variation 2031970 (VCV002031970.4), dbSNP rs372872777, ClinGen allele CA373419090.